The following is an entry in ClinVar:

NM_017617.5(NOTCH1):c.1100-140G>A

Gene: NOTCH1 (notch receptor 1; minus strand). Cytogenetic location: 9q34.3.
Variant type: single nucleotide variant.
Coding change: c.1100-140G>A on transcript NM_017617.5 (MANE Select); 140 bases into the intron before coding-DNA position 1100, G replaced by A.
Molecular consequence: intron variant.
Genome position (GRCh38, 1-based): chr9:136,518,432, C>T on the plus strand (G>A on the coding strand, the complement: NOTCH1 is on the minus strand). VCF-style: chr9-136518432-C-T. GRCh37 (hg19) VCF-style: chr9-139412884-C-T.
Identifiers: ClinVar variation 678545 (VCV000678545.1), dbSNP rs3125009, ClinGen allele CA13022455.

ClinVar aggregate classification (germline): Benign (1 of 4 stars; one submission).

Allele frequency attached by ClinVar (database versions not stated): gnomAD exomes 0.35301; gnomAD 0.40656 and 0.41208; TOPMed 0.41498; 1000 Genomes Project 30x 0.51983; 1000 Genomes Project 0.52556.
gnomAD v4.1: 440,248 of 1,220,124 alleles (36%); highest among the groups gnomAD compares: East Asian, 86%; 88,419 homozygotes.

Submission:

GeneDx
Classification: Benign. Last evaluated: 2018-06-16. Review status: criteria provided, single submitter. Criteria: GeneDx Variant Classification (06012015). Collection method: clinical testing. Allele origin: germline. Affected: yes.
Comment: This variant is considered likely benign or benign based on one or more of the following criteria: it is a conservative change, it occurs at a poorly conserved position in the protein, it is predicted to be benign by multiple in silico algorithms, and/or has population frequency not consistent with disease.